The following is an entry in ClinVar:

NM_201384.3(PLEC):c.509G>A (p.Arg170Gln)

Gene: PLEC (plectin; minus strand). Cytogenetic location: 8q24.3.
Variant type: single nucleotide variant.
Coding change: c.509G>A on transcript NM_201384.3 (MANE Select); coding-DNA position 509, G replaced by A.
Protein change: p.Arg170Gln; replaces arginine 170 with glutamine.
Molecular consequence: missense variant.
Genome position (GRCh38, 1-based): chr8:143,935,941, C>T on the plus strand (G>A on the coding strand, the complement: PLEC is on the minus strand). VCF-style: chr8-143935941-C-T. GRCh37 (hg19) VCF-style: chr8-145010109-C-T.
Other names: c.590G>A, p.Arg197Gln (NM_000445.5); c.467G>A, p.Arg156Gln (NM_201378.4); c.443G>A, p.Arg148Gln (NM_201379.3); c.920G>A, p.Arg307Gln (NM_201380.4); c.413G>A, p.Arg138Gln (NM_201381.3); c.509G>A, p.Arg170Gln (NM_201382.4); c.521G>A, p.Arg174Gln (NM_201383.3); short protein forms R170Q, R307Q, R138Q, R156Q, R174Q, R148Q, R197Q.
Identifiers: ClinVar variation 1464490 (VCV001464490.6), dbSNP rs782657140, ClinGen allele CA4928417.

ClinVar aggregate classification (germline): Uncertain significance (1 of 4 stars; one submission).

Conditions:
Epidermolysis bullosa simplex 5B, with muscular dystrophy (EBS5B). Also called: EPIDERMOLYSIS BULLOSA SIMPLEX AND LIMB-GIRDLE MUSCULAR DYSTROPHY; Epidermolysis bullosa simplex with muscular dystrophy. Identifiers: Orphanet 257, MedGen C2931072, MONDO:0009181, OMIM 226670.
Epidermolysis bullosa simplex, Ogna type (EBS5A). Also called: Pidermolysis bullosa simplex 5A, Ogna type; EPIDERMOLYSIS BULLOSA SIMPLEX 5A, OGNA TYPE. Identifiers: Orphanet 79401, MedGen C0432317, MONDO:0007555, OMIM 131950.
Epidermolysis bullosa simplex with nail dystrophy (EBS5D). Identifiers: MedGen C4225309, MONDO:0014661, OMIM 616487.
Autosomal recessive limb-girdle muscular dystrophy type 2Q (LGMDR17). Also called: MUSCULAR DYSTROPHY, LIMB-GIRDLE, AUTOSOMAL RECESSIVE 17. Identifiers: Orphanet 254361, MedGen C3150989, MONDO:0013390, OMIM 613723.
Epidermolysis bullosa simplex 5C, with pyloric atresia (EBS5C). Also called: PLEC1-Related Epidermolysis Bullosa with Pyloric Atresia; PLEC-Related Epidermolysis Bullosa with Pyloric Atresia; Epidermolysis bullosa simplex with pyloric atresia. Identifiers: Orphanet 158684, MedGen C2677349, MONDO:0012807, OMIM 612138.

Allele frequency attached by ClinVar (database versions not stated): ExAC 0.00001; gnomAD 0.00001; gnomAD exomes 0.00001; TOPMed 0.00001.
gnomAD v4.1: 11 of 1,612,932 alleles (0.00068%); highest among the groups gnomAD compares: African/African-American, 0.004%; no homozygotes.

Submission:

Labcorp Genetics (formerly Invitae), Labcorp
Classification: Uncertain significance for Autosomal recessive limb-girdle muscular dystrophy type 2Q; Epidermolysis bullosa simplex, Ogna type; Epidermolysis bullosa simplex with nail dystrophy; Epidermolysis bullosa simplex 5C, with pyloric atresia; Epidermolysis bullosa simplex 5B, with muscular dystrophy. Last evaluated: 2023-12-11. Review status: criteria provided, single submitter. Criteria: Invitae Variant Classification Sherloc (09022015). Collection method: clinical testing. Allele origin: germline.
Comment: This sequence change replaces arginine, which is basic and polar, with glutamine, which is neutral and polar, at codon 197 of the PLEC protein (p.Arg197Gln). This variant is present in population databases (rs782657140, gnomAD 0.006%). This variant has not been reported in the literature in individuals affected with PLEC-related conditions. ClinVar contains an entry for this variant (Variation ID: 1464490). Experimental studies and prediction algorithms are not available or were not evaluated, and the functional significance of this variant is currently unknown. In summary, the available evidence is currently insufficient to determine the role of this variant in disease. Therefore, it has been classified as a Variant of Uncertain Significance.